The following is an entry in ClinVar:

NM_018979.4(WNK1):c.2538A>G (p.Ile846Met)

Gene: WNK1 (WNK lysine deficient protein kinase 1; plus strand). Cytogenetic location: 12p13.33.
Variant type: single nucleotide variant.
Coding change: c.2538A>G on transcript NM_018979.4 (MANE Select); coding-DNA position 2538, A replaced by G.
Protein change: p.Ile846Met; replaces isoleucine 846 with methionine.
Molecular consequence: missense variant. On other transcripts: intron variant (3).
Genome position (GRCh38, 1-based): chr12:879,737, A>G. VCF-style: chr12-879737-A-G. GRCh37 (hg19) VCF-style: chr12-988903-A-G.
Other names: c.3867+1376A>G (NM_213655.5); c.3613-984A>G (NM_001184985.2); c.2370+1376A>G (NM_014823.3); short protein forms I846M.
Identifiers: ClinVar variation 4983266 (VCV004983266.1).

ClinVar aggregate classification (germline): Uncertain significance (1 of 4 stars; one submission).

Conditions:
WNK1-related disorder. Also called: WNK1-related condition.

gnomAD v4.1: 2 of 1,613,404 alleles (0.00012%); highest among the groups gnomAD compares: African/African-American, 0.0013%; no homozygotes.

Submission:

PreventionGenetics, part of Exact Sciences
Classification: Uncertain significance for WNK1-related condition. Last evaluated: 2025-11-05. Review status: criteria provided, single submitter. Criteria: ACMG Guidelines, 2015. Collection method: clinical testing. Allele origin: germline.
Comment: The WNK1 c.2538A>G variant is predicted to result in the amino acid substitution p.Ile846Met. To our knowledge, this variant has not been reported in the literature. This variant is reported in 0.00088% of alleles in individuals of European (Non-Finnish) descent in gnomAD. At this time, the clinical significance of this variant is uncertain due to the absence of conclusive functional and genetic evidence.